The following is an entry in ClinVar:

NM_000071.3(CBS):c.1498_1499del (p.Ser500fs)

Gene: CBS (cystathionine beta-synthase; minus strand). Cytogenetic location: 21q22.3.
Variant type: Microsatellite.
Coding change: c.1498_1499del on transcript NM_000071.3 (MANE Select); coding-DNA positions 1498 to 1499, 2 bases deleted (TC; older notation c.1498_1499delTC).
Protein change: p.Ser500fs; shifts the reading frame from serine 500.
Molecular consequence: frameshift variant.
Genome position (GRCh38, 1-based): chr21:43,056,856-43,056,857, GA deleted on the plus strand (TC on the coding strand, the reverse complement: CBS is on the minus strand); deleting any 2 consecutive bases within chr21:43,056,856-43,056,860 gives the same sequence; the c. name uses the placement nearest the transcript's 3' end. VCF-style (leftmost placement, unchanged base first): chr21-43056855-CGA-C. GRCh37 (hg19) VCF-style: chr21-44476965-CGA-C.
Other names: c.1498_1499del, p.Ser500fs (NM_001178008.3, NM_001178009.3, NM_001320298.2); c.1183_1184del, p.Ser395fs (NM_001321072.1); short protein forms S395fs, S500fs.
Identifiers: ClinVar variation 499845 (VCV000499845.14), dbSNP rs1555871188, ClinGen allele CA658799451.

ClinVar aggregate classification (germline): Pathogenic. Review status: criteria provided, multiple submitters, no conflicts (2 of 4 stars). 3 submissions from 3 submitters: Pathogenic (2). 1 of the submissions does not count toward it. Last evaluated 2021-05-29.

Conditions:
HYPERHOMOCYSTEINEMIA, THROMBOTIC, CBS-RELATED. Identifiers: MedGen C3150344, OMIM 236200.
Classic homocystinuria. Also called: Homocystinuria due to CBS deficiency; Cystathionine beta-synthase deficiency; CBS deficiency; HOMOCYSTINURIA WITH OR WITHOUT RESPONSE TO PYRIDOXINE; Homocystinuria due to Cystathionine Beta-Synthase Deficiency. Identifiers: Orphanet 394, MedGen C0751202, MONDO:0009352, OMIM 236200.

Submissions (3):

Labcorp Genetics (formerly Invitae), Labcorp
Classification: Pathogenic for HYPERHOMOCYSTEINEMIA, THROMBOTIC, CBS-RELATED. Last evaluated: 2021-05-29. Review status: criteria provided, single submitter. Criteria: Invitae Variant Classification Sherloc (09022015). Collection method: clinical testing. Allele origin: germline.
Comment: For these reasons, this variant has been classified as Pathogenic. This variant disrupts the C-terminus of the CBS protein. Other variant(s) that disrupt this region (p.Lys523Serfs*18) have been determined to be pathogenic (PMID: 12815602, 21520339, 25044645). This suggests that variants that disrupt this region of the protein are likely to be causative of disease. This variant has been observed in individual(s) with homocystinuria (Invitae). This variant is not present in population databases (ExAC no frequency). This sequence change creates a premature translational stop signal (p.Ser500Alafs*38) in the CBS gene. While this is not anticipated to result in nonsense mediated decay, it is expected to disrupt the last 52 amino acid(s) of the CBS protein.

Eurofins Ntd Llc (ga)
Classification: Pathogenic. Last evaluated: 2017-01-10. Review status: criteria provided, single submitter. Criteria: EGL Classification Definitions 2015. Collection method: clinical testing. Allele origin: germline. Observed: 1 variant allele, 1 heterozygote.

Counsyl
Classification: Likely pathogenic for Classic homocystinuria. Last evaluated: 2019-01-24. Review status: no assertion criteria provided. Collection method: clinical testing. Allele origin: unknown. Not counted in ClinVar's aggregate classification.

Literature cited by the submitters: PubMed 12815602 (cited by Labcorp Genetics (formerly Invitae), Labcorp); PubMed 21520339 (cited by Labcorp Genetics (formerly Invitae), Labcorp); PubMed 25044645 (cited by Labcorp Genetics (formerly Invitae), Labcorp).